The following is an entry in ClinVar:

NM_001999.4(FBN2):c.2487G>T (p.Thr829=)

Gene: FBN2 (fibrillin 2; minus strand). Cytogenetic location: 5q23.3.
Variant type: single nucleotide variant.
Coding change: c.2487G>T on transcript NM_001999.4 (MANE Select); coding-DNA position 2487, G replaced by T.
Protein change: p.Thr829=; no amino-acid change (threonine 829 retained).
Molecular consequence: synonymous variant.
Genome position (GRCh38, 1-based): chr5:128,361,790, C>A on the plus strand (G>T on the coding strand, the complement: FBN2 is on the minus strand). VCF-style: chr5-128361790-C-A. GRCh37 (hg19) VCF-style: chr5-127697483-C-A.
Identifiers: ClinVar variation 387778 (VCV000387778.39), dbSNP rs779455710, ClinGen allele CA16604690.

ClinVar aggregate classification (germline): Likely benign. Review status: criteria provided, multiple submitters, no conflicts (2 of 4 stars). 4 submissions from 4 submitters: Likely benign (4). Last evaluated 2025-10-21.

Conditions:
Familial thoracic aortic aneurysm and aortic dissection (TAAD). Also called: Thoracic aortic aneurysms and dissections. Identifiers: Orphanet 91387, MedGen C4707243, MONDO:0019625.
Congenital contractural arachnodactyly (CCA). Also called: Arthrogryposis, distal, type 9; BEALS SYNDROME; Beals-Hecht syndrome. Identifiers: Orphanet 115, MedGen C0220668, MONDO:0007363, OMIM 121050.

Allele frequency attached by ClinVar (database versions not stated): gnomAD 0.00001; TOPMed 0.00002.
gnomAD v4.1: 20 of 1,613,906 alleles (0.0012%); highest among the groups gnomAD compares: Non-Finnish European, 0.0016%; no homozygotes.

Submissions (4):

Labcorp Genetics (formerly Invitae), Labcorp
Classification: Likely benign for Congenital contractural arachnodactyly. Last evaluated: 2025-10-21. Review status: criteria provided, single submitter. Criteria: Invitae Variant Classification Sherloc (09022015). Collection method: clinical testing. Allele origin: germline.

CeGaT Center for Human Genetics Tuebingen
Classification: Likely benign. Last evaluated: 2022-06-01. Review status: criteria provided, single submitter. Criteria: CeGaT Center For Human Genetics Tuebingen Variant Classification Criteria Version 2. Collection method: clinical testing. Allele origin: germline. Affected: yes. Observed: 1 variant allele.
Comment: FBN2: BP4, BP7

Ambry Genetics
Classification: Likely benign for Familial thoracic aortic aneurysm and aortic dissection. Last evaluated: 2020-08-31. Review status: criteria provided, single submitter. Criteria: Ambry Variant Classification Scheme 2023. Collection method: clinical testing. Allele origin: germline.

GeneDx
Classification: Likely benign. Last evaluated: 2020-08-14. Review status: criteria provided, single submitter. Criteria: GeneDx Variant Classification Process June 2021. Collection method: clinical testing. Allele origin: germline. Affected: yes.